The following is an entry in ClinVar:

NM_000051.4(ATM):c.7089+4A>G

Genes: ATM (ATM serine/threonine kinase; plus strand), C11orf65 (chromosome 11 open reading frame 65; minus strand). Cytogenetic location: 11q22.3.
Variant type: single nucleotide variant.
Coding change: c.7089+4A>G on transcript NM_000051.4 (MANE Select); 4 bases into the intron after coding-DNA position 7089, A replaced by G.
Molecular consequence: intron variant.
Genome position (GRCh38, 1-based): chr11:108,327,762, A>G. VCF-style: chr11-108327762-A-G. GRCh37 (hg19) VCF-style: chr11-108198489-A-G.
Other names: c.7089+4A>G (NM_001351834.2); c.641-18691T>C (NM_001330368.2); c.*38+7458T>C (NM_001351110.2).
Identifiers: ClinVar variation 4866390 (VCV004866390.1).
Genomic context (GRCh38, chr11:108,327,762, plus strand): 5'-TTAGCAGAAACGTGCTTAGAAAATCCTGCGGTCATCATGCAGACCTATCTAGAAAAGGTA[A>G]GATTTTTGGAGCAACCCTTAAGATAGTTACTTAGCATGAATATGCTTCATCTTTTCATCA-3'

ClinVar aggregate classification (germline): Uncertain significance (1 of 4 stars; one submission).

Conditions:
Hereditary cancer-predisposing syndrome. Also called: Tumor predisposition; Hereditary neoplastic syndrome; Hereditary Cancer Syndrome; Neoplastic Syndromes, Hereditary. Identifiers: Orphanet 140162, MedGen C0027672, MeSH D009386, MONDO:0015356.

Submission:

Ambry Genetics
Classification: Uncertain significance for Hereditary cancer-predisposing syndrome. Last evaluated: 2026-04-22. Review status: criteria provided, single submitter. Criteria: Ambry Variant Classification Scheme 2023. Collection method: clinical testing. Allele origin: germline.
Comment: The c.7089+4A>G intronic variant results from an A to G substitution 4 nucleotides after coding exon 47 in the ATM gene. This nucleotide position is well conserved in available vertebrate species. In silico splice site analysis predicts that this alteration will not have any significant effect on splicing; however, direct evidence is insufficient at this time (Ambry internal data). Based on the available evidence, the clinical significance of this variant remains unclear.

Literature cited by the submitters: PubMed 40580951.